The following is an entry in ClinVar:

NM_001875.5(CPS1):c.1201G>C (p.Gly401Arg)

Gene: CPS1 (carbamoyl-phosphate synthase 1; plus strand). Cytogenetic location: 2q34.
Variant type: single nucleotide variant.
Coding change: c.1201G>C on transcript NM_001875.5 (MANE Select); coding-DNA position 1201, G replaced by C.
Protein change: p.Gly401Arg; replaces glycine 401 with arginine.
Molecular consequence: missense variant. On other transcripts: non-coding transcript variant (2).
Genome position (GRCh38, 1-based): chr2:210,594,544, G>C. VCF-style: chr2-210594544-G-C. GRCh37 (hg19) VCF-style: chr2-211459268-G-C.
Other names: c.1201G>C, p.Gly401Arg (NM_001122633.3, NM_001369257.1); c.1234G>C, p.Gly412Arg (NM_001369256.1); c.1201G>C (LRG_336t1); short protein forms G401R, G412R.
Identifiers: ClinVar variation 557698 (VCV000557698.12), dbSNP rs760895692, ClinGen allele CA2086300.

ClinVar aggregate classification (germline): Conflicting classifications of pathogenicity. Review status: criteria provided, conflicting classifications (1 of 4 stars). 6 submissions from 6 submitters: Likely pathogenic (1); Uncertain significance (4). 1 of the submissions does not count toward it. Last evaluated 2025-09-23.

Conditions:
Pulmonary hypertension, neonatal, susceptibility to (PHN). Identifiers: MedGen C3714958, MONDO:0014151, OMIM 615371.
Congenital hyperammonemia, type I. Also called: Carbamoyl phosphate synthetase 1 deficiency; Hyperammonemia due to carbamoyl phosphate synthetase 1 deficiency; CPS 1 deficiency; Carbamyl phosphate synthetase (CPS) deficiency; Carbamoyl phosphate synthetase I deficiency disease; Carbamoyl-phosphate synthase I deficiency. Identifiers: Orphanet 147, MedGen C4082171, MONDO:0009376, OMIM 237300.
Inborn genetic diseases. Identifiers: MedGen C0950123, MeSH D030342.

Allele frequency attached by ClinVar (database versions not stated): ExAC 0.00002; TOPMed 0.00001; gnomAD exomes 0.00002 and 0.00001.
gnomAD v4.1: 15 of 1,611,034 alleles (0.00093%); highest among the groups gnomAD compares: Admixed American, 0.017%; no homozygotes.

Submissions (6):

3billion
Classification: Uncertain significance for Congenital hyperammonemia, type I. Last evaluated: 2025-09-23. Review status: criteria provided, single submitter. Criteria: ACMG Guidelines, 2015. Collection method: clinical testing. Allele origin: germline. Affected: yes.
Comment: The variant is observed at an extremely low frequency in the gnomAD v4.1.0 dataset (total allele frequency: <0.001%). Predicted Consequence/Location: Missense variant. The majority of the known disease-causing variants of this gene are variants expected to result in premature termination of the protein. The same nucleotide change resulting in the same amino acid change has been previously reported to be associated with CPS1-related disorder (ClinVar ID: VCV000557698 /PMID: 21120950). However, the evidence of pathogenicity is insufficient at this time. Therefore, this variant is classified as VUS according to the recommendation of ACMG/AMP guideline.

Baylor Genetics
Classification: Likely pathogenic for Pulmonary hypertension, neonatal, susceptibility to. Last evaluated: 2024-02-17. Review status: criteria provided, single submitter. Criteria: ACMG Guidelines, 2015. Collection method: clinical testing. Allele origin: unknown.

Women's Health and Genetics/Laboratory Corporation of America, LabCorp
Classification: Uncertain significance. Last evaluated: 2023-06-14. Review status: criteria provided, single submitter. Criteria: LabCorp Variant Classification Summary - May 2015. Collection method: clinical testing. Allele origin: germline.
Comment: Variant summary: CPS1 c.1201G>C (p.Gly401Arg) results in a non-conservative amino acid change in the encoded protein sequence. Three of five in-silico tools predict a damaging effect of the variant on protein function. The variant allele was found at a frequency of 2e-05 in 250054 control chromosomes (gnomAD v2.1, Exomes dataset). c.1201G>C has been reported in the literature in several compound heterozygous individuals affected with Carbamoylphosphate Synthetase I Deficiency (e.g., Haberle_2011, Kretz_2012, deCastro_2020, Kumar_2021, Serrano_2010, Barbosa-Gouveia_2021). However, in several affected individuals the variant was identified in cis with variant c.2810T>A (p.Ile937Asn; e.g., Diez-Fernandez_2014, Makris_2021, Toquet_2021), although the variant was confirmed in trans with the same p.Ile937Asn variant in at least one affected compound heterozygote (e.g., deCastro_2020, Barbosa-Gouveia_2021). These data indicate that the variant may be associated with disease. To our knowledge, no experimental evidence demonstrating an impact on protein function has been reported. The following publications have been ascertained in the context of this evaluation (PMID: 34440436, 24813853, 21120950, 22575620, 33489762, 33309754, 34014557, 32718099, 19684305). Three clinical diagnostic laboratories have submitted clinical-significance assessments for this variant to ClinVar after 2014, and all laboratories classified the variant as uncertain significance. Based on the evidence outlined above, the variant was classified as VUS-possibly pathogenic.

Labcorp Genetics (formerly Invitae), Labcorp
Classification: Uncertain significance for Congenital hyperammonemia, type I. Last evaluated: 2022-09-01. Review status: criteria provided, single submitter. Criteria: Invitae Variant Classification Sherloc (09022015). Collection method: clinical testing. Allele origin: germline.
Comment: This sequence change replaces glycine, which is neutral and non-polar, with arginine, which is basic and polar, at codon 401 of the CPS1 protein (p.Gly401Arg). This variant is present in population databases (rs760895692, gnomAD 0.02%). This missense change has been observed in individual(s) with clinical features of carbamoyl phosphate synthetase 1 deficiency (PMID: 22575620, 24813853, 32718099, 33489762). ClinVar contains an entry for this variant (Variation ID: 557698). Algorithms developed to predict the effect of missense changes on protein structure and function are either unavailable or do not agree on the potential impact of this missense change (SIFT: "Deleterious"; PolyPhen-2: "Benign"; Align-GVGD: "Class C0"). In summary, the available evidence is currently insufficient to determine the role of this variant in disease. Therefore, it has been classified as a Variant of Uncertain Significance.

Ambry Genetics
Classification: Uncertain significance for Inborn genetic diseases. Last evaluated: 2018-01-26. Review status: criteria provided, single submitter. Criteria: Ambry exome assertion method (8-5-2015). Collection method: clinical testing. Allele origin: germline. Affected: yes. Observed: 1 variant allele.

Counsyl
Classification: Uncertain significance for Congenital hyperammonemia, type I. Last evaluated: 2018-04-11. Review status: no assertion criteria provided. Collection method: clinical testing. Allele origin: unknown. Not counted in ClinVar's aggregate classification.

Literature cited by the submitters: PubMed 21120950 (cited by 3 submitters); PubMed 33309754 (cited by Women's Health and Genetics/Laboratory Corporation of America, LabCorp); PubMed 33489762 (cited by Women's Health and Genetics/Laboratory Corporation of America, LabCorp and Labcorp Genetics (formerly Invitae), Labcorp); PubMed 34440436 (cited by Women's Health and Genetics/Laboratory Corporation of America, LabCorp); PubMed 22575620 (cited by 3 submitters); PubMed 32718099 (cited by Women's Health and Genetics/Laboratory Corporation of America, LabCorp and Labcorp Genetics (formerly Invitae), Labcorp); PubMed 24813853 (cited by 4 submitters); PubMed 19684305 (cited by Women's Health and Genetics/Laboratory Corporation of America, LabCorp); PubMed 34014557 (cited by Women's Health and Genetics/Laboratory Corporation of America, LabCorp).